The following is an entry in ClinVar:

ClinVar aggregate classification (germline): Uncertain significance (1 of 4 stars; one submission).

Submission:

GeneDx
Classification: Uncertain significance. Last evaluated: 2025-02-10. Review status: criteria provided, single submitter. Criteria: GeneDx Variant Classification Process June 2021. Collection method: clinical testing. Allele origin: germline. Affected: yes.
Comment: Not observed at significant frequency in large population cohorts (gnomAD); In silico analysis supports that this missense variant has a deleterious effect on protein structure/function; Has not been previously published as pathogenic or benign to our knowledge

NM_000070.3(CAPN3):c.625T>A (p.Tyr209Asn)

Gene: CAPN3 (calpain 3; plus strand). Cytogenetic location: 15q15.1.
Variant type: single nucleotide variant.
Coding change: c.625T>A on transcript NM_000070.3 (MANE Select); coding-DNA position 625, T replaced by A.
Protein change: p.Tyr209Asn; replaces tyrosine 209 with asparagine.
Molecular consequence: missense variant.
Genome position (GRCh38, 1-based): chr15:42,387,879, T>A. VCF-style: chr15-42387879-T-A. GRCh37 (hg19) VCF-style: chr15-42680077-T-A.
Other names: c.625T>A, p.Tyr209Asn (NM_024344.2, NM_173087.2); short protein forms Y209N.
Identifiers: ClinVar variation 4074360 (VCV004074360.1).